The following is an entry in ClinVar:

NM_000245.4(MET):c.2768T>C (p.Val923Ala)

Gene: MET (MET proto-oncogene, receptor tyrosine kinase; plus strand). Cytogenetic location: 7q31.2.
Variant type: single nucleotide variant.
Coding change: c.2768T>C on transcript NM_000245.4 (MANE Select); coding-DNA position 2768, T replaced by C.
Protein change: p.Val923Ala; replaces valine 923 with alanine.
Molecular consequence: missense variant.
Genome position (GRCh38, 1-based): chr7:116,771,535, T>C. VCF-style: chr7-116771535-T-C. GRCh37 (hg19) VCF-style: chr7-116411589-T-C.
Other names: c.2822T>C, p.Val941Ala (NM_001127500.3); c.1478T>C, p.Val493Ala (NM_001324402.2); short protein forms V493A, V923A, V941A.
Identifiers: ClinVar variation 3232951 (VCV003232951.1), dbSNP rs2485774740, ClinGen allele CA368986294.

ClinVar aggregate classification (germline): Uncertain significance (1 of 4 stars; one submission).

Conditions:
Hereditary cancer-predisposing syndrome. Also called: Neoplastic Syndromes, Hereditary; Tumor predisposition; Hereditary neoplastic syndrome; Hereditary Cancer Syndrome. Identifiers: Orphanet 140162, MedGen C0027672, MeSH D009386, MONDO:0015356.

Submission:

Ambry Genetics
Classification: Uncertain significance for Hereditary cancer-predisposing syndrome. Last evaluated: 2023-12-04. Review status: criteria provided, single submitter. Criteria: Ambry Variant Classification Scheme 2023. Collection method: clinical testing. Allele origin: germline.
Comment: The p.V941A variant (also known as c.2822T>C), located in coding exon 12 of the MET gene, results from a T to C substitution at nucleotide position 2822. The valine at codon 941 is replaced by alanine, an amino acid with similar properties. This amino acid position is conserved. In addition, this alteration is predicted to be deleterious by in silico analysis. Since supporting evidence is limited at this time, the clinical significance of this alteration remains unclear.